The following is an entry in ClinVar:

ClinVar aggregate classification (germline): Conflicting classifications of pathogenicity. Review status: criteria provided, conflicting classifications (1 of 4 stars). 10 submissions from 10 submitters: Uncertain significance (2); Benign (1); Likely benign (4). 3 of the submissions do not count toward it. Last evaluated 2026-01-25.

Conditions:
Diabetes mellitus, transient neonatal, 3 (TNDM3). Identifiers: Orphanet 99886, MedGen C1864623, MONDO:0012522, OMIM 610582. Disease mechanism: loss of function.
Permanent neonatal diabetes mellitus 1. Also called: GCK-Related Permanent Neonatal Diabetes Mellitus. Identifiers: MedGen C5393570, MONDO:0100165, OMIM 606176.
Hyperinsulinemic hypoglycemia, familial, 2. Also called: HYPERINSULINEMIC HYPOGLYCEMIA, PERSISTENT; HYPERINSULINISM, NEONATAL. Identifiers: Orphanet 276580, Orphanet 276603, MedGen C2931833, MONDO:0011153, OMIM 601820. Disease mechanism: loss of function.
KCNJ11-related disorder. Also called: KCNJ11-related condition; KCNJ11-related disorders.
Maturity-onset diabetes of the young (MODY). Also called: Maturity onset diabetes mellitus in young. Identifiers: Orphanet 552, MedGen C0342276, MONDO:0018911, HP:0004904.
Permanent neonatal diabetes mellitus (PNDM). Identifiers: Orphanet 99885, MedGen C1833104, MONDO:0100164, MONDO:0011643. Disease mechanism: gain of function.

Allele frequency attached by ClinVar (database versions not stated): gnomAD exomes 0.00029; ExAC 0.00039; 1000 Genomes Project 30x 0.00078; 1000 Genomes Project 0.00080; gnomAD 0.00122 and 0.00131; ESP Exome Variant Server 0.00123; TOPMed 0.00135.

Submissions (10):

Labcorp Genetics (formerly Invitae), Labcorp
Classification: Likely benign. Last evaluated: 2026-01-25. Review status: criteria provided, single submitter. Criteria: Invitae Variant Classification Sherloc (09022015). Collection method: clinical testing. Allele origin: germline.

GeneDx
Classification: Uncertain significance. Last evaluated: 2025-07-31. Review status: criteria provided, single submitter. Criteria: GeneDx Variant Classification Process June 2021. Collection method: clinical testing. Allele origin: germline. Affected: yes.
Comment: Identified in a patient with early onset diabetes and considered to be a possible benign polymorphism in published literature (PMID: 21544516); In silico analysis supports that this missense variant has a deleterious effect on protein structure/function; This variant is associated with the following publications: (PMID: 21119644, 27908292, 24367280, 32041611, 21544516)

ARUP Laboratories, Molecular Genetics and Genomics, ARUP Laboratories
Classification: Likely benign. Last evaluated: 2025-03-13. Review status: criteria provided, single submitter. Criteria: ARUP Molecular Germline Variant Investigation Process 2024. Collection method: clinical testing. Allele origin: germline.

Women's Health and Genetics/Laboratory Corporation of America, LabCorp
Classification: Likely benign. Last evaluated: 2024-10-08. Review status: criteria provided, single submitter. Criteria: LabCorp Variant Classification Summary - May 2015. Collection method: clinical testing. Allele origin: germline.

Athena Diagnostics
Classification: Likely benign. Last evaluated: 2018-11-07. Review status: criteria provided, single submitter. Criteria: Athena Diagnostics Criteria. Collection method: clinical testing. Allele origin: germline.

Genetic Services Laboratory, University of Chicago
Classification: Benign. Last evaluated: 2013-02-08. Review status: criteria provided, single submitter. Criteria: ACMG Guidelines, 2007. Collection method: clinical testing. Allele origin: germline. Inheritance: Autosomal unknown.

Clinical Genomics, Uppaluri K&H Personalized Medicine Clinic
Classification: Uncertain significance for Maturity-onset diabetes of the young. Review status: criteria provided, single submitter. Criteria: K & H Uppaluri Personalized Medicine Clinic Variant Classification & Assertion Criteria_Updated V.1. Collection method: research. Allele origin: somatic. Inheritance: Autosomal dominant inheritance.
Comment: Mutations in KCNJ11 gene can cause decreased production and secretion of insulin. This can lead to MODY which may be responsive to oral sulfonylureas. However, no sufficient evidence is found to ascertain the role of this particular variant (rs5217) in MODY or Congenital Hyperinsulinism or PNDM yet.

Natera, Inc.
Classification: Likely benign for Permanent neonatal diabetes mellitus. Last evaluated: 2020-09-16. Review status: no assertion criteria provided. Collection method: clinical testing. Allele origin: germline. Not counted in ClinVar's aggregate classification.

PreventionGenetics, part of Exact Sciences
Classification: Likely benign for KCNJ11-related condition. Last evaluated: 2020-09-03. Review status: no assertion criteria provided. Collection method: clinical testing. Allele origin: germline. Not counted in ClinVar's aggregate classification.
Comment: This variant is classified as likely benign based on ACMG/AMP sequence variant interpretation guidelines (Richards et al. 2015 PMID: 25741868, with internal and published modifications).

Counsyl
Classification: Uncertain significance for Hyperinsulinemic hypoglycemia, familial, 2; Permanent neonatal diabetes mellitus 1; Diabetes mellitus, transient neonatal, 3. Last evaluated: 2017-10-13. Review status: no assertion criteria provided. Collection method: clinical testing. Allele origin: unknown. Not counted in ClinVar's aggregate classification.

Literature cited by the submitters: PubMed 21119644 (cited by Athena Diagnostics and Counsyl); PubMed 27908292 (cited by 3 submitters); PubMed 23275527 (cited by Athena Diagnostics); PubMed 15886397 (cited by Athena Diagnostics); PubMed 21544516 (cited by 3 submitters).

NM_000525.4(KCNJ11):c.584G>A (p.Arg195His)

Gene: KCNJ11 (potassium inwardly rectifying channel subfamily J member 11; minus strand). Cytogenetic location: 11p15.1.
Variant type: single nucleotide variant.
Coding change: c.584G>A on transcript NM_000525.4 (MANE Select); coding-DNA position 584, G replaced by A.
Protein change: p.Arg195His; replaces arginine 195 with histidine.
Molecular consequence: missense variant.
Genome position (GRCh38, 1-based): chr11:17,387,508, C>T on the plus strand (G>A on the coding strand, the complement: KCNJ11 is on the minus strand). VCF-style: chr11-17387508-C-T. GRCh37 (hg19) VCF-style: chr11-17409055-C-T.
Other names: c.323G>A, p.Arg108His (NM_001166290.2, NM_001377296.1, NM_001377297.1); short protein forms R195H, R108H.
Identifiers: ClinVar variation 158681 (VCV000158681.29), dbSNP rs5217, ClinGen allele CA172338.